The following is an entry in ClinVar:

ClinVar aggregate classification (germline): Benign/Likely benign. Review status: criteria provided, multiple submitters, no conflicts (2 of 4 stars). 8 submissions from 8 submitters: Benign (4); Likely benign (3). 1 of the submissions does not count toward it. Last evaluated 2026-04-01.

Conditions:
DUOX2-related disorder. Also called: DUOX2-related condition.
Meckel syndrome, type 11 (MKS11). Identifiers: Orphanet 564, MedGen C3809352, MONDO:0014164, OMIM 615397.
Thyroid dyshormonogenesis 6 (TDH6). Also called: THYROID HORMONOGENESIS, GENETIC DEFECT IN, 6; Genetic transient congenital hypothyroidism; HYPOTHYROIDISM, CONGENITAL, DUE TO DYSHORMONOGENESIS, 6. Identifiers: Orphanet 226316, Orphanet 95716, MedGen C1846632, MONDO:0011792, OMIM 607200.

Allele frequency attached by ClinVar (database versions not stated): ESP Exome Variant Server 0.00585; gnomAD 0.00700; ExAC 0.00762; 1000 Genomes Project 0.00779; 1000 Genomes Project 30x 0.00812; gnomAD exomes 0.00814; TOPMed 0.00893.
gnomAD v4.1: 12,527 of 1,614,188 alleles (0.78%); highest among the groups gnomAD compares: Admixed American, 1.7%; 72 homozygotes.

Submissions (8):

CeGaT Center for Human Genetics Tuebingen
Classification: Benign. Last evaluated: 2026-04-01. Review status: criteria provided, single submitter. Criteria: CeGaT Center For Human Genetics Tuebingen Variant Classification Criteria Version 2. Collection method: clinical testing. Allele origin: germline. Affected: yes. Observed: 7 variant alleles.
Comment: DUOX2: BP4, BS1, BS2

Labcorp Genetics (formerly Invitae), Labcorp
Classification: Benign. Last evaluated: 2026-02-04. Review status: criteria provided, single submitter. Criteria: Invitae Variant Classification Sherloc (09022015). Collection method: clinical testing. Allele origin: germline.

Mendelics
Classification: Benign for Thyroid dyshormonogenesis 6. Last evaluated: 2019-05-28. Review status: criteria provided, single submitter. Criteria: Mendelics Assertion Criteria 2017. Collection method: clinical testing. Allele origin: unknown.

Illumina Laboratory Services, Illumina
Classification: Likely benign for Thyroid dyshormonogenesis 6. Last evaluated: 2017-04-27. Review status: criteria provided, single submitter. Criteria: ICSL Variant Classification Criteria 13 December 2019. Collection method: clinical testing. Allele origin: germline.
Comment: This variant was observed as part of a predisposition screen in an ostensibly healthy population. A literature search was performed for the gene, cDNA change, and amino acid change (where applicable). Publications were found based on this search. The evidence from the literature, in combination with allele frequency data from public databases where available, was sufficient to determine this variant is unlikely to cause disease. Therefore, this variant is classified as likely benign.

Center for Pediatric Genomic Medicine, Children's Mercy Hospital and Clinics
Classification: Benign. Last evaluated: 2015-12-23. Review status: criteria provided, single submitter. Criteria: ACMG Guidelines, 2015. Collection method: clinical testing. Allele origin: germline.

Breakthrough Genomics
Classification: Likely benign. Review status: criteria provided, single submitter. Criteria: ACMG Guidelines, 2015. Collection method: not provided. Allele origin: germline. Inheritance: Autosomal recessive inheritance. Affected: yes.

Broad Center for Mendelian Genomics, Broad Institute of MIT and Harvard
Classification: Likely benign for Meckel syndrome, type 11. Review status: criteria provided, single submitter. Criteria: ACMG Guidelines, 2015. Collection method: research. Allele origin: germline. Inheritance: Autosomal recessive inheritance. Affected: yes.
Comment: The heterozygous p.Ala728Thr variant in DUOX2 has been identified in an individual with congenital hypothyroidism (PMID: 21565790), and has been identified in >1% of Latino chromosomes and 7 homozygotes by ExAC. In vitro functional studies provide some evidence that the p.Ala728Thr variant may not impact protein function (PMID: 21565790). However, these types of assays may not accurately represent biological function. In summary, although additional studies are required to fully establish its clinical significance, this variant meets criteria to be classified as likely benign for autosomal recessive congenital hypothyroidism.

PreventionGenetics, part of Exact Sciences
Classification: Benign for DUOX2-related condition. Last evaluated: 2019-07-30. Review status: no assertion criteria provided. Collection method: clinical testing. Allele origin: germline. Not counted in ClinVar's aggregate classification.
Comment: This variant is classified as benign based on ACMG/AMP sequence variant interpretation guidelines (Richards et al. 2015 PMID: 25741868, with internal and published modifications).

Literature cited by the submitters: PubMed 21565790 (cited by Illumina Laboratory Services, Illumina and Broad Center for Mendelian Genomics, Broad Institute of MIT and Harvard).

NM_001363711.2(DUOX2):c.2182G>A (p.Ala728Thr)

Gene: DUOX2 (dual oxidase 2; minus strand). Cytogenetic location: 15q21.1.
Variant type: single nucleotide variant.
Coding change: c.2182G>A on transcript NM_001363711.2 (MANE Select); coding-DNA position 2182, G replaced by A.
Protein change: p.Ala728Thr; replaces alanine 728 with threonine.
Molecular consequence: missense variant.
Genome position (GRCh38, 1-based): chr15:45,105,795, C>T on the plus strand (G>A on the coding strand, the complement: DUOX2 is on the minus strand). VCF-style: chr15-45105795-C-T. GRCh37 (hg19) VCF-style: chr15-45397993-C-T.
Other names: c.2182G>A, p.Ala728Thr (NM_014080.5); short protein forms A728T.
Identifiers: ClinVar variation 235495 (VCV000235495.43), dbSNP rs138353181, ClinGen allele CA7538334.